The following is an entry in ClinVar:

NM_002473.6(MYH9):c.4726C>T (p.Arg1576Trp)

Gene: MYH9 (myosin heavy chain 9; minus strand). Cytogenetic location: 22q12.3.
Variant type: single nucleotide variant.
Coding change: c.4726C>T on transcript NM_002473.6 (MANE Select); coding-DNA position 4726, C replaced by T.
Protein change: p.Arg1576Trp; replaces arginine 1576 with tryptophan.
Molecular consequence: missense variant.
Genome position (GRCh38, 1-based): chr22:36,288,771, G>A on the plus strand (C>T on the coding strand, the complement: MYH9 is on the minus strand). VCF-style: chr22-36288771-G-A. GRCh37 (hg19) VCF-style: chr22-36684817-G-A.
Other names: c.4726C>T (NM_002473.4); short protein forms R1576W.
Identifiers: ClinVar variation 2980565 (VCV002980565.4), dbSNP rs199722926, ClinGen allele CA10209310.

ClinVar aggregate classification (germline): Conflicting classifications of pathogenicity. Review status: criteria provided, conflicting classifications (1 of 4 stars). 2 submissions from 2 submitters: Uncertain significance (1); Likely benign (1). Last evaluated 2026-01-30.

Allele frequency attached by ClinVar (database versions not stated): gnomAD exomes 0.00004; gnomAD 0.00005; 1000 Genomes Project 30x 0.00016; ExAC 0.00007; TOPMed 0.00009; 1000 Genomes Project 0.00020.
gnomAD v4.1: 62 of 1,609,882 alleles (0.0039%); highest among the groups gnomAD compares: South Asian, 0.035%; no homozygotes.

Submissions (2):

GeneDx
Classification: Uncertain significance. Last evaluated: 2026-01-30. Review status: criteria provided, single submitter. Criteria: GeneDx Variant Classification Process June 2021. Collection method: clinical testing. Allele origin: germline.
Comment: In silico analysis supports that this missense variant has a deleterious effect on protein structure/function; Has not been previously published as pathogenic or benign in association with MYH9-related disorders to our knowledge; This variant is associated with the following publications: (PMID: 33004838, 35982160, 35982159)

Labcorp Genetics (formerly Invitae), Labcorp
Classification: Likely benign. Last evaluated: 2024-09-04. Review status: criteria provided, single submitter. Criteria: Invitae Variant Classification Sherloc (09022015). Collection method: clinical testing. Allele origin: germline.